The following is an entry in ClinVar:

NM_000051.4(ATM):c.4332_4337delinsTAAAA (p.Phe1445fs)

Gene: ATM (ATM serine/threonine kinase; plus strand). Cytogenetic location: 11q22.3.
Variant type: Indel.
Coding change: c.4332_4337delinsTAAAA on transcript NM_000051.4 (MANE Select); coding-DNA positions 4332 to 4337, GTTTGT replaced by TAAAA.
Protein change: p.Phe1445fs; shifts the reading frame from phenylalanine 1445.
Molecular consequence: frameshift variant.
Genome position (GRCh38, 1-based): chr11:108,289,697-108,289,702, GTTTGT replaced by TAAAA. VCF-style: chr11-108289697-GTTTGT-TAAAA. GRCh37 (hg19) VCF-style: chr11-108160424-GTTTGT-TAAAA.
Other names: c.4332_4337delGTTTGTinsTAAAA (NM_000051.3); c.4332_4337delinsTAAAA, p.Phe1445fs (NM_001351834.2); short protein forms F1445fs.
Identifiers: ClinVar variation 421838 (VCV000421838.2), dbSNP rs1064795394, ClinGen allele CA16619177.

ClinVar aggregate classification (germline): Likely pathogenic (1 of 4 stars; one submission).

Submission:

GeneDx
Classification: Likely pathogenic. Last evaluated: 2016-07-27. Review status: criteria provided, single submitter. Criteria: GeneDx Variant Classification (06012015). Collection method: clinical testing. Allele origin: germline. Affected: yes.
Comment: This combined deletion and insertion is denoted ATM c.4332_4337delGTTTGTinsTAAAA at the cDNA level and p.Phe1445LysfsX6 (F1445KfsX6) at the protein level. The normal sequence, with the bases that are deleted in braces and inserted in brackets, is ACCT[GTTTGT][TAAAA]TAGT. The variant causes a frameshift, which changes a Phenylalanine to a Lysine at codon 1445, and creates a premature stop codon at position 6 of the new reading frame. Although this variant has not, to our knowledge, been reported in the literature, it is predicted to cause loss of normal protein function through either protein truncation or nonsense-mediated mRNA decay. Based on currently available evidence, we consider ATM c.4332_4337delGTTTGTinsTAAAA to be a likely pathogenic variant.